The following is an entry in ClinVar:

GRCh38/hg38 11q24.3-25(chr11:130060292-135040246)x1

Genes: ACAD8 (acyl-CoA dehydrogenase family member 8; plus strand), ADAMTS15 (ADAM metallopeptidase with thrombospondin type 1 motif 15; plus strand), ADAMTS8 (ADAM metallopeptidase with thrombospondin type 1 motif 8; minus strand), APLP2 (amyloid beta precursor like protein 2; plus strand), B3GAT1 (beta-1,3-glucuronyltransferase 1; minus strand) and 122 more. Cytogenetic location: 11q24.3-25.
Variant type: copy number loss.
Change: copy number 1 (one copy instead of two) of chr11:130,060,292-135,040,246 (4.98 Mb, GRCh38 coordinates, 1-based), cytogenetic band 11q24.3-25.
Identifiers: ClinVar variation 58950 (VCV000058950.3).

ClinVar aggregate classification (germline): Pathogenic (1 of 4 stars; one submission).

Submission:

ISCA Site 6
Classification: Pathogenic. Last evaluated: 2011-08-12. Review status: criteria provided, single submitter. Criteria: Kaminsky et al. (Genet Med. 2011). Collection method: clinical testing. Allele origin: unknown. Affected: yes. Observed: 1 variant allele.
Comment: Copy number variation identified through the course of routine clinical cytogenomic testing in postnatal populations. Clinical assertions have been curated as described in Kaminsky et al. 2011.